The following is an entry in ClinVar:

ClinVar aggregate classification (germline): Uncertain significance. Review status: criteria provided, multiple submitters, no conflicts (2 of 4 stars). 5 submissions from 5 submitters: Uncertain significance (4). 1 of the submissions does not count toward it. Last evaluated 2025-08-08.

Conditions:
RP1L1-related disorder. Also called: RP1L1-related condition.
Inborn genetic diseases. Identifiers: MedGen C0950123, MeSH D030342.
Optic atrophy. Identifiers: MedGen C0029124, MONDO:0003608, HP:0000648.

Allele frequency attached by ClinVar (database versions not stated): gnomAD 0.00011.
gnomAD v4.1: 121 of 1,609,740 alleles (0.0075%); highest among the groups gnomAD compares: East Asian, 0.022%; no homozygotes.

Submissions (5):

PreventionGenetics, part of Exact Sciences
Classification: Uncertain significance for RP1L1-related condition. Last evaluated: 2025-08-08. Review status: criteria provided, single submitter. Criteria: ACMG Guidelines, 2015. Collection method: clinical testing. Allele origin: germline.
Comment: The RP1L1 c.71C>T variant is predicted to result in the amino acid substitution p.Thr24Ile. To our knowledge, this variant has not been reported in the literature. This variant is reported in 0.041% of alleles in individuals of East Asian descent in gnomAD. At this time, the clinical significance of this variant is uncertain due to the absence of conclusive functional and genetic evidence.

Ambry Genetics
Classification: Uncertain significance for Inborn genetic diseases. Last evaluated: 2025-05-18. Review status: criteria provided, single submitter. Criteria: Ambry Variant Classification Scheme 2023. Collection method: clinical testing. Allele origin: germline.

Labcorp Genetics (formerly Invitae), Labcorp
Classification: Uncertain significance. Last evaluated: 2025-05-13. Review status: criteria provided, single submitter. Criteria: Invitae Variant Classification Sherloc (09022015). Collection method: clinical testing. Allele origin: germline.
Comment: This sequence change replaces threonine, which is neutral and polar, with isoleucine, which is neutral and non-polar, at codon 24 of the RP1L1 protein (p.Thr24Ile). This variant is present in population databases (rs771358254, gnomAD 0.04%). This variant has not been reported in the literature in individuals affected with RP1L1-related conditions. ClinVar contains an entry for this variant (Variation ID: 1486864). Invitae Evidence Modeling of protein sequence and biophysical properties (such as structural, functional, and spatial information, amino acid conservation, physicochemical variation, residue mobility, and thermodynamic stability) indicates that this missense variant is not expected to disrupt RP1L1 protein function with a negative predictive value of 80%. In summary, the available evidence is currently insufficient to determine the role of this variant in disease. Therefore, it has been classified as a Variant of Uncertain Significance.

Blueprint Genetics
Classification: Uncertain significance. Last evaluated: 2024-11-19. Review status: criteria provided, single submitter. Criteria: ACMG Guidelines, 2015. Collection method: clinical testing. Allele origin: germline.

Institute of Human Genetics, Univ. Regensburg, Univ. Regensburg
Classification: Uncertain significance for Optic atrophy. Last evaluated: 2022-01-01. Review status: no assertion criteria provided. Criteria: ACMG Guidelines, 2015. Collection method: clinical testing. Allele origin: germline. Affected: yes. Not counted in ClinVar's aggregate classification.

NM_178857.6(RP1L1):c.71C>T (p.Thr24Ile)

Gene: RP1L1 (RP1 like 1). Cytogenetic location: 8p23.1.
Variant type: single nucleotide variant.
Coding change: c.71C>T on transcript NM_178857.6 (MANE Select); coding-DNA position 71, C replaced by T.
Protein change: p.Thr24Ile; replaces threonine 24 with isoleucine.
Molecular consequence: missense variant.
Genome position (GRCh38, 1-based): chr8:10,623,131, G>A on the plus strand (C>T on the coding strand, the complement: RP1L1 is on the minus strand). VCF-style: chr8-10623131-G-A. GRCh37 (hg19) VCF-style: chr8-10480641-G-A.
Other names: c.71C>T (NM_178857.5); short protein forms T24I.
Identifiers: ClinVar variation 1486864 (VCV001486864.11), dbSNP rs771358254, ClinGen allele CA4625891.
Genomic context (GRCh38, chr8:10,623,131, plus strand): 5'-GGATCCCCTCGCTTGAGGAAGGTGATCTTCTTGGCTGGCGTGACCTTGGTGACCGAGGGG[G>A]TGCGAGCCACAGAGGGCAGGAAGCACTCACGGTGGCTCGGGGCCTGGGCATTCCTGGGGG-3'
Protein context (NP_849188.4, residues 14-34): RECFLPSVAR[Thr24Ile]PSVTKVTPAK